The following is an entry in ClinVar:

NM_001008537.3(NEXMIF):c.1346C>T (p.Ser449Leu)

Gene: NEXMIF (neurite extension and migration factor; minus strand). Cytogenetic location: Xq13.3.
Variant type: single nucleotide variant.
Coding change: c.1346C>T on transcript NM_001008537.3 (MANE Select); coding-DNA position 1346, C replaced by T.
Protein change: p.Ser449Leu; replaces serine 449 with leucine.
Molecular consequence: missense variant.
Genome position (GRCh38, 1-based): chrX:74,743,211, G>A on the plus strand (C>T on the coding strand, the complement: NEXMIF is on the minus strand). VCF-style: chrX-74743211-G-A. GRCh37 (hg19) VCF-style: chrX-73963046-G-A.
Other names: c.1346C>T (NM_001008537.2); short protein forms S449L.
Identifiers: ClinVar variation 3598428 (VCV003598428.4).

ClinVar aggregate classification (germline): Uncertain significance. Review status: criteria provided, multiple submitters, no conflicts (2 of 4 stars). 3 submissions from 3 submitters: Uncertain significance (3). Last evaluated 2025-06-03.

Conditions:
X-linked intellectual disability, Cantagrel type (XLID98). Also called: INTELLECTUAL DEVELOPMENTAL DISORDER, X-LINKED 98. Identifiers: Orphanet 85277, MedGen C3806730, MONDO:0010483, OMIM 300912.

gnomAD v4.1: 1 of 1,209,145 alleles (0.000083%); highest among the groups gnomAD compares: African/African-American, 0.0018%; no homozygotes.

Submissions (3):

Ambry Genetics
Classification: Uncertain significance. Last evaluated: 2025-06-03. Review status: criteria provided, single submitter. Criteria: Ambry Variant Classification Scheme 2023. Collection method: clinical testing. Allele origin: germline.

Labcorp Genetics (formerly Invitae), Labcorp
Classification: Uncertain significance. Last evaluated: 2024-09-25. Review status: criteria provided, single submitter. Criteria: Invitae Variant Classification Sherloc (09022015). Collection method: clinical testing. Allele origin: germline.
Comment: This sequence change replaces serine, which is neutral and polar, with leucine, which is neutral and non-polar, at codon 449 of the NEXMIF protein (p.Ser449Leu). This variant is not present in population databases (gnomAD no frequency). This variant has not been reported in the literature in individuals affected with NEXMIF-related conditions. An algorithm developed to predict the effect of missense changes on protein structure and function (PolyPhen-2) suggests that this variant is likely to be disruptive. In summary, the available evidence is currently insufficient to determine the role of this variant in disease. Therefore, it has been classified as a Variant of Uncertain Significance.

Fulgent Genetics
Classification: Uncertain significance for X-linked intellectual disability, Cantagrel type. Last evaluated: 2024-01-05. Review status: criteria provided, single submitter. Criteria: ACMG Guidelines, 2015. Collection method: clinical testing. Allele origin: germline.